The following is an entry in ClinVar:

NM_001009944.3(PKD1):c.7111del (p.Val2371fs)

Gene: PKD1 (polycystin 1, transient receptor potential channel interacting; minus strand). Cytogenetic location: 16p13.3.
Variant type: Deletion.
Coding change: c.7111del on transcript NM_001009944.3 (MANE Select); coding-DNA position 7111, one base deleted (G; older notation c.7111delG).
Protein change: p.Val2371fs; shifts the reading frame from valine 2371.
Molecular consequence: frameshift variant.
Genome position (GRCh38, 1-based): chr16:2,106,903, C deleted on the plus strand (G on the coding strand, the reverse complement: PKD1 is on the minus strand). VCF-style (leftmost placement, unchanged base first): chr16-2106902-AC-A. GRCh37 (hg19) VCF-style: chr16-2156903-AC-A.
Other names: c.7111del, p.Val2371fs (NM_000296.4); c.7111delG (NM_001009944.3); short protein forms V2371fs.
Identifiers: ClinVar variation 620580 (VCV000620580.2), dbSNP rs1567187420, ClinGen allele CA913190660.

ClinVar aggregate classification (germline): Pathogenic. Review status: criteria provided, multiple submitters, no conflicts (2 of 4 stars). 2 submissions from 2 submitters: Pathogenic (2). Last evaluated 2025-05-01.

Conditions:
Polycystic kidney disease 3 with or without polycystic liver disease. Also called: Polycystic kidney disease 3; POLYCYSTIC KIDNEY DISEASE, ADULT, TYPE III; Polycystic Kidney and/or Polycystic Liver Disease 3. Identifiers: MedGen C3887964, MONDO:0010916, OMIM 600666.
Polycystic kidney disease, adult type (PKD1). Also called: Polycystic Kidney Disease 1, Autosomal Dominant; Polycystic kidney disease 1; Polycystic kidney disease 1, severe; POLYCYSTIC KIDNEY DISEASE 1 WITH OR WITHOUT POLYCYSTIC LIVER DISEASE; Polycystic Kidney, Autosomal Dominant; POLYCYSTIC KIDNEY DISEASE, ADULT, TYPE I. Identifiers: MedGen C3149841, MONDO:0008263, OMIM 173900.

Submissions (2):

Women's Health and Genetics/Laboratory Corporation of America, LabCorp
Classification: Pathogenic for Polycystic kidney disease, adult type. Last evaluated: 2025-05-01. Review status: criteria provided, single submitter. Criteria: LabCorp Variant Classification Summary - May 2015. Collection method: clinical testing. Allele origin: germline.
Comment: Variant summary: PKD1 c.7111delG (p.Val2371CysfsX11) results in a premature termination codon, predicted to cause a truncation of the encoded protein or absence of the protein due to nonsense mediated decay, which are commonly known mechanisms for disease. The variant was absent in 220592 control chromosomes. c.7111delG has been observed in at-least one individual affected with AD Polycystic Kidney Disease (example, Bekheirnia_2020). To our knowledge, no experimental evidence demonstrating an impact on protein function has been reported. The following publication has been ascertained in the context of this evaluation (PMID: 35368817). ClinVar contains an entry for this variant (Variation ID: 620580). Based on the evidence outlined above, the variant was classified as pathogenic.

Molecular Diagnostics Laboratory, M Health Fairview: University of Minnesota
Classification: Pathogenic for Polycystic kidney disease 3 with or without polycystic liver disease. Last evaluated: 2017-02-10. Review status: criteria provided, single submitter. Criteria: ACMG Guidelines, 2015. Collection method: clinical testing. Allele origin: germline. Affected: yes. Observed: 1 variant allele.

Literature cited by the submitters: PubMed 35368817 (cited by Women's Health and Genetics/Laboratory Corporation of America, LabCorp).